The following is an entry in ClinVar:

ClinVar aggregate classification (germline): Uncertain significance. Review status: criteria provided, multiple submitters, no conflicts (2 of 4 stars). 2 submissions from 2 submitters: Uncertain significance (2). Last evaluated 2024-05-26.

Conditions:
Inborn genetic diseases. Identifiers: MedGen C0950123, MeSH D030342.
Atrial fibrillation, familial, 7 (ATFB7). Identifiers: MedGen C2677106, MONDO:0012828, OMIM 612240.

Allele frequency attached by ClinVar (database versions not stated): TOPMed below 0.00001; ExAC 0.00005.
gnomAD v4.1: 27 of 1,603,636 alleles (0.0017%); highest among the groups gnomAD compares: East Asian, 0.058%; no homozygotes.

Submissions (2):

Ambry Genetics
Classification: Uncertain significance for Inborn genetic diseases. Last evaluated: 2024-05-26. Review status: criteria provided, single submitter. Criteria: Ambry Variant Classification Scheme 2023. Collection method: clinical testing. Allele origin: germline.

Labcorp Genetics (formerly Invitae), Labcorp
Classification: Uncertain significance for Atrial fibrillation, familial, 7. Last evaluated: 2022-05-22. Review status: criteria provided, single submitter. Criteria: Invitae Variant Classification Sherloc (09022015). Collection method: clinical testing. Allele origin: germline.
Comment: This variant has not been reported in the literature in individuals affected with KCNA5-related conditions. This variant is present in population databases (rs757623478, gnomAD 0.05%). This sequence change replaces proline, which is neutral and non-polar, with arginine, which is basic and polar, at codon 92 of the KCNA5 protein (p.Pro92Arg). Algorithms developed to predict the effect of missense changes on protein structure and function (SIFT, PolyPhen-2, Align-GVGD) all suggest that this variant is likely to be tolerated. In summary, the available evidence is currently insufficient to determine the role of this variant in disease. Therefore, it has been classified as a Variant of Uncertain Significance.

NM_002234.4(KCNA5):c.275C>G (p.Pro92Arg)

Gene: KCNA5 (potassium voltage-gated channel subfamily A member 5; plus strand). Cytogenetic location: 12p13.32.
Variant type: single nucleotide variant.
Coding change: c.275C>G on transcript NM_002234.4 (MANE Select); coding-DNA position 275, C replaced by G.
Protein change: p.Pro92Arg; replaces proline 92 with arginine.
Molecular consequence: missense variant.
Genome position (GRCh38, 1-based): chr12:5,044,422, C>G. VCF-style: chr12-5044422-C-G. GRCh37 (hg19) VCF-style: chr12-5153588-C-G.
Other names: c.275C>G (NM_002234.2); short protein forms P92R.
Identifiers: ClinVar variation 1984532 (VCV001984532.5), dbSNP rs757623478, ClinGen allele CA6399582.